The following is an entry in ClinVar:

ClinVar aggregate classification (germline): Pathogenic (1 of 4 stars; one submission).

Conditions:
Autism spectrum disorder - epilepsy - arthrogryposis syndrome (AMRS). Identifiers: Orphanet 370943, MedGen C3809910, MONDO:0014248, OMIM 615553.

Submission:

Labcorp Genetics (formerly Invitae), Labcorp
Classification: Pathogenic for Autism spectrum disorder - epilepsy - arthrogryposis syndrome. Last evaluated: 2022-08-20. Review status: criteria provided, single submitter. Criteria: Invitae Variant Classification Sherloc (09022015). Collection method: clinical testing. Allele origin: germline.
Comment: For these reasons, this variant has been classified as Pathogenic. Algorithms developed to predict the effect of sequence changes on RNA splicing suggest that this variant may disrupt the consensus splice site. This variant has not been reported in the literature in individuals affected with SLC35A3-related conditions. This variant is not present in population databases (gnomAD no frequency). This sequence change creates a premature translational stop signal (p.Ala252Thrfs*11) in the SLC35A3 gene. It is expected to result in an absent or disrupted protein product. Loss-of-function variants in SLC35A3 are known to be pathogenic (PMID: 24031089, 28328131).

Literature cited by the submitters: PubMed 24031089; PubMed 28328131.

NM_012243.3(SLC35A3):c.754_755del (p.Ala252fs)

Gene: SLC35A3 (solute carrier family 35 member A3; plus strand). Cytogenetic location: 1p21.2.
Variant type: Deletion.
Coding change: c.754_755del on transcript NM_012243.3 (MANE Select); coding-DNA positions 754 to 755, 2 bases deleted (GC; older notation c.754_755delGC).
Protein change: p.Ala252fs; shifts the reading frame from alanine 252.
Molecular consequence: frameshift variant. On other transcripts: intron variant (1).
Genome position (GRCh38, 1-based): chr1:100,017,682-100,017,683, GC deleted. VCF-style (leftmost placement, unchanged base first): chr1-100017681-GGC-G. GRCh37 (hg19) VCF-style: chr1-100483237-GGC-G.
Other names: c.880_881del, p.Ala294fs (NM_001271685.2); c.635-4704_635-4703del (NM_001271684.2); short protein forms A252fs, A294fs.
Identifiers: ClinVar variation 2415865 (VCV002415865.7), dbSNP rs2524627674, ClinGen allele CA2580060667.